The following is an entry in ClinVar:

ClinVar aggregate classification (germline): Uncertain significance. Review status: criteria provided, multiple submitters, no conflicts (2 of 4 stars). 5 submissions from 5 submitters: Uncertain significance (5). Last evaluated 2026-03-30.

Conditions:
Inborn genetic diseases. Identifiers: MedGen C0950123, MeSH D030342.
Charcot-Marie-Tooth disease dominant intermediate B (CMTDIB). Also called: Charcot-Marie-Tooth disease dominant intermediate 1; CMT DI1; Charcot-Marie-Tooth disease dominant intermediate I; CHARCOT-MARIE-TOOTH NEUROPATHY, DOMINANT INTERMEDIATE B. Identifiers: Orphanet 100044, Orphanet 228179, MedGen C1847902, MONDO:0011674, OMIM 606482.

Allele frequency attached by ClinVar (database versions not stated): ExAC 0.00002; gnomAD exomes 0.00002 and 0.00007; TOPMed 0.00003; gnomAD 0.00004; ESP Exome Variant Server 0.00015; 1000 Genomes Project 0.00020; 1000 Genomes Project 30x 0.00031.
gnomAD v4.1: 109 of 1,614,144 alleles (0.0068%); highest among the groups gnomAD compares: Non-Finnish European, 0.0086%; no homozygotes.

Submissions (5):

Ambry Genetics
Classification: Uncertain significance for Inborn genetic diseases. Last evaluated: 2026-03-30. Review status: criteria provided, single submitter. Criteria: Ambry Variant Classification Scheme 2023. Collection method: clinical testing. Allele origin: germline.

Labcorp Genetics (formerly Invitae), Labcorp
Classification: Uncertain significance for Charcot-Marie-Tooth disease dominant intermediate B. Last evaluated: 2025-10-17. Review status: criteria provided, single submitter. Criteria: Invitae Variant Classification Sherloc (09022015). Collection method: clinical testing. Allele origin: germline.
Comment: This sequence change replaces arginine, which is basic and polar, with glutamine, which is neutral and polar, at codon 290 of the DNM2 protein (p.Arg290Gln). This variant is present in population databases (rs117398902, gnomAD 0.006%). This missense change has been observed in individuals with Charcot-Marie-Tooth disease and/or congenital myopathy (PMID: 32657593, 33333461). ClinVar contains an entry for this variant (Variation ID: 816534). Invitae Evidence Modeling of protein sequence and biophysical properties (such as structural, functional, and spatial information, amino acid conservation, physicochemical variation, residue mobility, and thermodynamic stability) has been performed for this missense variant. However, the output from this modeling did not meet the statistical confidence thresholds required to predict the impact of this variant on DNM2 protein function. In summary, the available evidence is currently insufficient to determine the role of this variant in disease. Therefore, it has been classified as a Variant of Uncertain Significance.

Blueprint Genetics
Classification: Uncertain significance. Last evaluated: 2022-12-14. Review status: criteria provided, single submitter. Criteria: ACMG Guidelines, 2015. Collection method: clinical testing. Allele origin: germline.

GeneDx
Classification: Uncertain significance. Last evaluated: 2022-07-28. Review status: criteria provided, single submitter. Criteria: GeneDx Variant Classification Process June 2021. Collection method: clinical testing. Allele origin: germline. Affected: yes.
Comment: Identified in a patient with congenital myopathy, but it is unknown whether this individual was tested for variants in other genes associated with congenital myopathy (Natera-de Benito et al., 2021); Reported in a patient with hereditary neuropathy; however, familial segregation information was not included (Taghizadeh et al., 2020); In silico analysis supports that this missense variant has a deleterious effect on protein structure/function; Missense variants in this gene are often considered pathogenic (HGMD); This variant is associated with the following publications: (PMID: 16227997, 33333461, 32657593)

Kariminejad - Najmabadi Pathology & Genetics Center
Classification: Uncertain significance for Charcot-Marie-Tooth disease dominant intermediate B. Review status: criteria provided, single submitter. Criteria: ACMG Guidelines, 2015. Collection method: clinical testing. Allele origin: germline. Affected: yes.

Literature cited by the submitters: PubMed 32657593 (cited by Labcorp Genetics (formerly Invitae), Labcorp); PubMed 33333461 (cited by Labcorp Genetics (formerly Invitae), Labcorp).

NM_001005361.3(DNM2):c.869G>A (p.Arg290Gln)

Gene: DNM2 (dynamin 2; plus strand). Cytogenetic location: 19p13.2.
Variant type: single nucleotide variant.
Coding change: c.869G>A on transcript NM_001005361.3 (MANE Select); coding-DNA position 869, G replaced by A.
Protein change: p.Arg290Gln; replaces arginine 290 with glutamine.
Molecular consequence: missense variant.
Genome position (GRCh38, 1-based): chr19:10,786,583, G>A. VCF-style: chr19-10786583-G-A. GRCh37 (hg19) VCF-style: chr19-10897259-G-A.
Other names: c.869G>A, p.Arg290Gln (NM_001005360.3, NM_001005362.3, NM_001190716.2 and 1 more transcripts); short protein forms R290Q.
Identifiers: ClinVar variation 816534 (VCV000816534.15), dbSNP rs117398902, ClinGen allele CA9200917.
Genomic context (GRCh38, chr19:10,786,583, plus strand): 5'-GCCCATGCCACCCTTTCTGATCTCTGACCTCTCTCCTGCAGCAACTGACCAACCACATCC[G>A]GGAGTCGCTGCCGGCCCTACGTAGCAAACTACAGAGCCAGCTGCTGTCCCTGGAGAAGGA-3'
Protein context (NP_001005361.1, residues 280-300): TLNQQLTNHI[Arg290Gln]ESLPALRSKL